The following is an entry in ClinVar:

ClinVar aggregate classification (germline): Uncertain significance (1 of 4 stars; one submission).

Conditions:
Intellectual developmental disorder, X-linked, syndromic, Hedera type. Also called: Syndromic X-linked intellectual disability Hedera type. Identifiers: Orphanet 93952, MedGen C1845543, MONDO:0010319, OMIM 300423.

Allele frequency attached by ClinVar (database versions not stated): ExAC 0.00001; 1000 Genomes Project 30x 0.00021; gnomAD exomes 0.00002 and below 0.00001; gnomAD 0.00003 and 0.00002; TOPMed 0.00003; ESP Exome Variant Server 0.00009; 1000 Genomes Project 0.00026.

Submission:

Labcorp Genetics (formerly Invitae), Labcorp
Classification: Uncertain significance for Intellectual developmental disorder, X-linked, syndromic, Hedera type. Last evaluated: 2020-02-12. Review status: criteria provided, single submitter. Criteria: Invitae Variant Classification Sherloc (09022015). Collection method: clinical testing. Allele origin: germline.
Comment: This sequence change replaces arginine with cysteine at codon 157 of the ATP6AP2 protein (p.Arg157Cys). The arginine residue is highly conserved and there is a large physicochemical difference between arginine and cysteine. This variant is present in population databases (rs138458908, ExAC 0.01%). This variant has not been reported in the literature in individuals with ATP6AP2-related conditions. Algorithms developed to predict the effect of missense changes on protein structure and function (SIFT, PolyPhen-2, Align-GVGD) all suggest that this variant is likely to be tolerated, but these predictions have not been confirmed by published functional studies and their clinical significance is uncertain. In summary, the available evidence is currently insufficient to determine the role of this variant in disease. Therefore, it has been classified as a Variant of Uncertain Significance.

NM_005765.3(ATP6AP2):c.469C>T (p.Arg157Cys)

Gene: ATP6AP2 (ATPase H+ transporting accessory protein 2; plus strand). Cytogenetic location: Xp11.4.
Variant type: single nucleotide variant.
Coding change: c.469C>T on transcript NM_005765.3 (MANE Select); coding-DNA position 469, C replaced by T.
Protein change: p.Arg157Cys; replaces arginine 157 with cysteine.
Molecular consequence: missense variant.
Genome position (GRCh38, 1-based): chrX:40,597,599, C>T. VCF-style: chrX-40597599-C-T. GRCh37 (hg19) VCF-style: chrX-40456851-C-T.
Other names: short protein forms R157C.
Identifiers: ClinVar variation 955848 (VCV000955848.10), dbSNP rs138458908, ClinGen allele CA10387217.